The following is an entry in ClinVar:

NM_015047.3(EMC1):c.808dup (p.Ser270fs)

Genes: EMC1 (ER membrane protein complex subunit 1; minus strand), EMC1-AS1 (EMC1 antisense RNA 1; plus strand). Cytogenetic location: 1p36.13.
Variant type: Duplication.
Coding change: c.808dup on transcript NM_015047.3 (MANE Select); coding-DNA position 808, one base duplicated (A; older notation c.808dupA).
Protein change: p.Ser270fs; shifts the reading frame from serine 270.
Molecular consequence: frameshift variant.
Genome position (GRCh38, 1-based): chr1:19,239,964, T duplicated on the plus strand (A on the coding strand, the reverse complement: EMC1 is on the minus strand); the first of 2 consecutive T bases (chr1:19,239,964-19,239,965); duplicating either gives the same sequence. VCF-style (leftmost placement, unchanged base first): chr1-19239963-C-CT. GRCh37 (hg19) VCF-style: chr1-19566457-C-CT.
Other names: c.808dup, p.Ser270fs (NM_001271427.2, NM_001271428.2, NM_001375820.1 and 1 more transcripts); c.742dup, p.Ser248fs (NM_001271429.2); short protein forms S248fs, S270fs.
Identifiers: ClinVar variation 1455289 (VCV001455289.7), dbSNP rs1220641407, ClinGen allele CA729208604.

ClinVar aggregate classification (germline): Pathogenic. Review status: criteria provided, multiple submitters, no conflicts (2 of 4 stars). 2 submissions from 2 submitters: Pathogenic (2). Last evaluated 2026-01-27.

Submissions (2):

Labcorp Genetics (formerly Invitae), Labcorp
Classification: Pathogenic. Last evaluated: 2026-01-27. Review status: criteria provided, single submitter. Criteria: Invitae Variant Classification Sherloc (09022015). Collection method: clinical testing. Allele origin: germline.
Comment: This sequence change creates a premature translational stop signal (p.Ser270Lysfs*45) in the EMC1 gene. It is expected to result in an absent or disrupted protein product. Loss-of-function variants in EMC1 are known to be pathogenic (PMID: 26572623, 26942288, 29271071). This variant is not present in population databases (gnomAD no frequency). This variant has not been reported in the literature in individuals affected with EMC1-related conditions. ClinVar contains an entry for this variant (Variation ID: 1455289). For these reasons, this variant has been classified as Pathogenic.

Laboratory of Genetics, Children's Clinical University Hospital Latvia
Classification: Pathogenic. Last evaluated: 2025-02-16. Review status: criteria provided, single submitter. Criteria: ACMG Guidelines, 2015. Collection method: clinical testing. Allele origin: germline. Affected: yes.

Literature cited by the submitters: PubMed 26572623 (cited by Labcorp Genetics (formerly Invitae), Labcorp); PubMed 26942288 (cited by Labcorp Genetics (formerly Invitae), Labcorp); PubMed 29271071 (cited by Labcorp Genetics (formerly Invitae), Labcorp).